The following is an entry in ClinVar:

ClinVar aggregate classification (germline): Benign/Likely benign. Review status: criteria provided, multiple submitters, no conflicts (2 of 4 stars). 8 submissions from 7 submitters: Benign (3); Likely benign (5). Last evaluated 2026-01-05.

Conditions:
Inborn genetic diseases. Identifiers: MedGen C0950123, MeSH D030342.
Charcot-Marie-Tooth disease type 4. Also called: Charcot-Marie-Tooth disease, type IV; Charcot-Marie-Tooth, Type 4. Identifiers: Orphanet 64749, MedGen C4082197, MONDO:0018995.
Amyotrophic lateral sclerosis type 11 (ALS11). Identifiers: Orphanet 803, MedGen C2675491, MONDO:0012945, OMIM 612577.
Charcot-Marie-Tooth disease type 4J (CMT4J). Also called: Charcot-Marie-Tooth Neuropathy Type 4J; CHARCOT-MARIE-TOOTH DISEASE, AUTOSOMAL RECESSIVE, TYPE 4J; CHARCOT-MARIE-TOOTH DISEASE, DEMYELINATING, TYPE 4J. Identifiers: Orphanet 139515, MedGen C1970011, MONDO:0012640, OMIM 611228.

Allele frequency attached by ClinVar (database versions not stated): gnomAD exomes 0.00068 and 0.00027; ExAC 0.00083; gnomAD 0.00259 and 0.00275; ESP Exome Variant Server 0.00315; TOPMed 0.00315; 1000 Genomes Project 0.00319; 1000 Genomes Project 30x 0.00359.
gnomAD v4.1: 804 of 1,613,696 alleles (0.05%); highest among the groups gnomAD compares: African/African-American, 0.92%; 5 homozygotes.

Submissions (8):

Labcorp Genetics (formerly Invitae), Labcorp
Classification: Benign for Charcot-Marie-Tooth disease type 4. Last evaluated: 2026-01-05. Review status: criteria provided, single submitter. Criteria: Invitae Variant Classification Sherloc (09022015). Collection method: clinical testing. Allele origin: germline.

Athena Diagnostics
Classification: Benign. Last evaluated: 2025-05-07. Review status: criteria provided, single submitter. Criteria: Athena Diagnostics Criteria. Collection method: clinical testing. Allele origin: unknown.
Comment: The frequency of this variant in the general population is higher than would generally be expected for pathogenic variants in this gene.

Blueprint Genetics
Classification: Likely benign. Last evaluated: 2024-08-05. Review status: criteria provided, single submitter. Criteria: ACMG Guidelines, 2015. Collection method: clinical testing. Allele origin: germline.

ARUP Laboratories, Molecular Genetics and Genomics, ARUP Laboratories
Classification: Likely benign. Last evaluated: 2020-08-10. Review status: criteria provided, single submitter. Criteria: ARUP Molecular Germline Variant Investigation Process. Collection method: clinical testing. Allele origin: germline.

Ambry Genetics
Classification: Likely benign for Inborn genetic diseases. Last evaluated: 2020-03-03. Review status: criteria provided, single submitter. Criteria: Ambry Variant Classification Scheme 2023. Collection method: clinical testing. Allele origin: germline.

Illumina Laboratory Services, Illumina
Classification: Likely benign for Charcot-Marie-Tooth disease type 4J. Last evaluated: 2018-01-12. Review status: criteria provided, single submitter. Criteria: ICSL Variant Classification Criteria 13 December 2019. Collection method: clinical testing. Allele origin: germline.
Comment: This variant was observed in the ICSL laboratory as part of a predisposition screen in an ostensibly healthy population. It had not been previously curated by ICSL or reported in the Human Gene Mutation Database (HGMD: prior to June 1st, 2018), and was therefore a candidate for classification through an automated scoring system. Utilizing variant allele frequency, disease prevalence and penetrance estimates, and inheritance mode, an automated score was calculated to assess if this variant is too frequent to cause the disease. Based on the score and internal cut-off values, a variant classified as likely benign is not then subjected to further curation. The score for this variant resulted in a classification of likely benign for this disease.

Illumina Laboratory Services, Illumina
Classification: Benign for Amyotrophic lateral sclerosis type 11. Last evaluated: 2018-01-12. Review status: criteria provided, single submitter. Criteria: ICSL Variant Classification Criteria 13 December 2019. Collection method: clinical testing. Allele origin: germline.
Comment: This variant was observed in the ICSL laboratory as part of a predisposition screen in an ostensibly healthy population. It had not been previously curated by ICSL or reported in the Human Gene Mutation Database (HGMD: prior to June 1st, 2018), and was therefore a candidate for classification through an automated scoring system. Utilizing variant allele frequency, disease prevalence and penetrance estimates, and inheritance mode, an automated score was calculated to assess if this variant is too frequent to cause the disease. Based on the score and internal cut-off values, a variant classified as benign is not then subjected to further curation. The score for this variant resulted in a classification of benign for this disease.

GeneDx
Classification: Likely benign. Last evaluated: 2017-05-25. Review status: criteria provided, single submitter. Criteria: GeneDx Variant Classification (06012015). Collection method: clinical testing. Allele origin: germline. Affected: yes.
Comment: This variant is considered likely benign or benign based on one or more of the following criteria: it is a conservative change, it occurs at a poorly conserved position in the protein, it is predicted to be benign by multiple in silico algorithms, and/or has population frequency not consistent with disease.

Literature cited by the submitters: PubMed 25614874 (cited by Athena Diagnostics).

NM_014845.6(FIG4):c.173A>G (p.Tyr58Cys)

Gene: FIG4 (FIG4 phosphoinositide 5-phosphatase; plus strand). Cytogenetic location: 6q21.
Variant type: single nucleotide variant.
Coding change: c.173A>G on transcript NM_014845.6 (MANE Select); coding-DNA position 173, A replaced by G.
Protein change: p.Tyr58Cys; replaces tyrosine 58 with cysteine.
Molecular consequence: missense variant.
Genome position (GRCh38, 1-based): chr6:109,716,452, A>G. VCF-style: chr6-109716452-A-G. GRCh37 (hg19) VCF-style: chr6-110037655-A-G.
Other names: short protein forms Y58C.
Identifiers: ClinVar variation 355033 (VCV000355033.27), dbSNP rs145337669, ClinGen allele CA3955704.